The following is an entry in ClinVar:

ClinVar aggregate classification (germline): Uncertain significance (1 of 4 stars; one submission).

Conditions:
Renal cell carcinoma. Identifiers: Orphanet 217071, MedGen C0007134, MeSH D002292, MONDO:0005086, HP:0005584.

Submission:

Labcorp Genetics (formerly Invitae), Labcorp
Classification: Uncertain significance for Renal cell carcinoma. Last evaluated: 2024-12-29. Review status: criteria provided, single submitter. Criteria: Invitae Variant Classification Sherloc (09022015). Collection method: clinical testing. Allele origin: germline.
Comment: This sequence change replaces valine, which is neutral and non-polar, with aspartic acid, which is acidic and polar, at codon 794 of the MET protein (p.Val794Asp). This variant is not present in population databases (gnomAD no frequency). This variant has not been reported in the literature in individuals affected with MET-related conditions. Invitae Evidence Modeling of protein sequence and biophysical properties (such as structural, functional, and spatial information, amino acid conservation, physicochemical variation, residue mobility, and thermodynamic stability) indicates that this missense variant is expected to disrupt MET protein function with a positive predictive value of 80%. In summary, the available evidence is currently insufficient to determine the role of this variant in disease. Therefore, it has been classified as a Variant of Uncertain Significance.

NM_000245.4(MET):c.2327T>A (p.Val776Asp)

Gene: MET (MET proto-oncogene, receptor tyrosine kinase; plus strand). Cytogenetic location: 7q31.2.
Variant type: single nucleotide variant.
Coding change: c.2327T>A on transcript NM_000245.4 (MANE Select); coding-DNA position 2327, T replaced by A.
Protein change: p.Val776Asp; replaces valine 776 with aspartic acid.
Molecular consequence: missense variant.
Genome position (GRCh38, 1-based): chr7:116,759,453, T>A. VCF-style: chr7-116759453-T-A. GRCh37 (hg19) VCF-style: chr7-116399507-T-A.
Other names: c.2381T>A, p.Val794Asp (NM_001127500.3); c.2327T>A, p.Val776Asp (NM_001324401.3); c.1037T>A, p.Val346Asp (NM_001324402.2); short protein forms V346D, V794D, V776D.
Identifiers: ClinVar variation 3719584 (VCV003719584.2).
Genomic context (GRCh38, chr7:116,759,453, plus strand): 5'-GTGGGAGCACAATAACAGGTGTTGGGAAAAACCTGAATTCAGTTAGTGTCCCGAGAATGG[T>A]CATAAATGTGCATGAAGCAGGAAGGAACTTTACAGTGGTAAGTCCTTTGAGCAATGGTTC-3'
Protein context (NP_000236.2, residues 766-786): NLNSVSVPRM[Val776Asp]INVHEAGRNF